The following is an entry in ClinVar:

ClinVar aggregate classification (germline): Uncertain significance (1 of 4 stars; one submission).

Submission:

GeneDx
Classification: Uncertain significance. Last evaluated: 2026-03-16. Review status: criteria provided, single submitter. Criteria: GeneDx Variant Classification Process June 2021. Collection method: clinical testing. Allele origin: germline.
Comment: Not observed at significant frequency in large population cohorts (gnomAD); In silico analysis supports that this missense variant has a deleterious effect on protein structure/function; Has not been previously published as pathogenic or benign to our knowledge; This variant is associated with the following publications: (PMID: 24658002)

NM_003072.5(SMARCA4):c.3148T>C (p.Tyr1050His)

Gene: SMARCA4 (SWI/SNF related BAF chromatin remodeling complex subunit ATPase 4; plus strand). Cytogenetic location: 19p13.2.
Variant type: single nucleotide variant.
Coding change: c.3148T>C on transcript NM_003072.5 (MANE Select); coding-DNA position 3148, T replaced by C.
Protein change: p.Tyr1050His; replaces tyrosine 1050 with histidine.
Molecular consequence: missense variant. On other transcripts: non-coding transcript variant (1).
Genome position (GRCh38, 1-based): chr19:11,025,488, T>C. VCF-style: chr19-11025488-T-C. GRCh37 (hg19) VCF-style: chr19-11136164-T-C.
Other names: c.3148T>C, p.Tyr1050His (NM_001128844.3, NM_001128845.2, NM_001128846.2 and 6 more transcripts); short protein forms Y1050H.
Identifiers: ClinVar variation 5009288 (VCV005009288.1).